The following is an entry in ClinVar:

NM_001197104.2(KMT2A):c.10580G>C (p.Arg3527Pro)

Gene: KMT2A (lysine methyltransferase 2A; plus strand). Cytogenetic location: 11q23.3.
Variant type: single nucleotide variant.
Coding change: c.10580G>C on transcript NM_001197104.2 (MANE Select); coding-DNA position 10580, G replaced by C.
Protein change: p.Arg3527Pro; replaces arginine 3527 with proline.
Molecular consequence: missense variant.
Genome position (GRCh38, 1-based): chr11:118,506,472, G>C. VCF-style: chr11-118506472-G-C. GRCh37 (hg19) VCF-style: chr11-118377187-G-C.
Other names: c.10571G>C, p.Arg3524Pro (NM_005933.4); short protein forms R3527P, R3524P.
Identifiers: ClinVar variation 1488806 (VCV001488806.6), dbSNP rs147844226, ClinGen allele CA6304768.

ClinVar aggregate classification (germline): Uncertain significance (1 of 4 stars; one submission).

Allele frequency attached by ClinVar (database versions not stated): ESP Exome Variant Server 0.00008.

Submission:

Labcorp Genetics (formerly Invitae), Labcorp
Classification: Uncertain significance. Last evaluated: 2025-10-12. Review status: criteria provided, single submitter. Criteria: Invitae Variant Classification Sherloc (09022015). Collection method: clinical testing. Allele origin: germline.
Comment: This sequence change replaces arginine, which is basic and polar, with proline, which is neutral and non-polar, at codon 3527 of the KMT2A protein (p.Arg3527Pro). This variant is present in population databases (rs147844226, gnomAD 0.01%). This variant has not been reported in the literature in individuals affected with KMT2A-related conditions. ClinVar contains an entry for this variant (Variation ID: 1488806). Invitae Evidence Modeling of protein sequence and biophysical properties (such as structural, functional, and spatial information, amino acid conservation, physicochemical variation, residue mobility, and thermodynamic stability) indicates that this missense variant is not expected to disrupt KMT2A protein function with a negative predictive value of 95%. In summary, the available evidence is currently insufficient to determine the role of this variant in disease. Therefore, it has been classified as a Variant of Uncertain Significance.